The following is an entry in ClinVar:

ClinVar aggregate classification (germline): Pathogenic (1 of 4 stars; one submission).

Submission:

Labcorp Genetics (formerly Invitae), Labcorp
Classification: Pathogenic. Last evaluated: 2022-02-24. Review status: criteria provided, single submitter. Criteria: Invitae Variant Classification Sherloc (09022015). Collection method: clinical testing. Allele origin: germline.
Comment: For these reasons, this variant has been classified as Pathogenic. ClinVar contains an entry for this variant (Variation ID: 639644). This variant has not been reported in the literature in individuals affected with KIAA2022-related conditions. This variant is not present in population databases (gnomAD no frequency). This sequence change creates a premature translational stop signal (p.Asp169Glufs*2) in the KIAA2022 gene. It is expected to result in an absent or disrupted protein product. Loss-of-function variants in KIAA2022 are known to be pathogenic (PMID: 23615299).

Literature cited by the submitters: PubMed 23615299.

NM_001008537.3(NEXMIF):c.507_511del (p.Asp169fs)

Gene: NEXMIF (neurite extension and migration factor; minus strand). Cytogenetic location: Xq13.3.
Variant type: Deletion.
Coding change: c.507_511del on transcript NM_001008537.3 (MANE Select); coding-DNA positions 507 to 511, 5 bases deleted (TCTAA; older notation c.507_511delTCTAA).
Protein change: p.Asp169fs; shifts the reading frame from aspartic acid 169.
Molecular consequence: frameshift variant.
Genome position (GRCh38, 1-based): chrX:74,744,046-74,744,050, TTAGA deleted on the plus strand (TCTAA on the coding strand, the reverse complement: NEXMIF is on the minus strand); deleting any 5 consecutive bases within chrX:74,744,046-74,744,051 gives the same sequence; the c. name uses the placement nearest the transcript's 3' end. VCF-style (leftmost placement, unchanged base first): chrX-74744045-TTTAGA-T. GRCh37 (hg19) VCF-style: chrX-73963880-TTTAGA-T.
Other names: short protein forms D169fs.
Identifiers: ClinVar variation 639644 (VCV000639644.7), dbSNP rs1602212778, ClinGen allele CA915951238.
Genomic context (GRCh38, chrX:74,744,045, plus strand): 5'-TCTCCAGCATTAATACACTGAATCCCTATATCAGAGACTGCACACGTTTCATAATCCCTA[TTTAGA>T]TCACCAACTTTCAGACTGATCCCTGGCTCAGGATCTACTGCATCCTTGGATTCCATGAAG-3'